The following is an entry in ClinVar:

ClinVar aggregate classification (germline): Uncertain significance. Review status: criteria provided, multiple submitters, no conflicts (2 of 4 stars). 2 submissions from 2 submitters: Uncertain significance (2). Last evaluated 2024-04-22.

Conditions:
Acute infantile liver failure due to synthesis defect of mtDNA-encoded proteins. Also called: Liver failure acute infantile; LIVER FAILURE, INFANTILE, TRANSIENT; TRMU Deficiency. Identifiers: Orphanet 217371, MedGen C3278664, MONDO:0013111, OMIM 613070.

Allele frequency attached by ClinVar (database versions not stated): ExAC 0.00002; gnomAD exomes 0.00001; TOPMed 0.00001.
gnomAD v4.1: 14 of 1,613,486 alleles (0.00087%); highest among the groups gnomAD compares: Admixed American, 0.0017%; no homozygotes.

Submissions (2):

Institute of Human Genetics, University of Leipzig Medical Center
Classification: Uncertain significance for Acute infantile liver failure due to synthesis defect of mtDNA-encoded proteins. Last evaluated: 2024-04-22. Review status: criteria provided, single submitter. Criteria: ACMG Guidelines, 2015. Collection method: clinical testing. Allele origin: unknown. Inheritance: Autosomal recessive inheritance. Affected: yes.
Comment: Criteria applied: PM5,PM1_SUP,PM2_SUP

Labcorp Genetics (formerly Invitae), Labcorp
Classification: Uncertain significance. Last evaluated: 2022-05-27. Review status: criteria provided, single submitter. Criteria: Invitae Variant Classification Sherloc (09022015). Collection method: clinical testing. Allele origin: germline.
Comment: This sequence change replaces glycine, which is neutral and non-polar, with arginine, which is basic and polar, at codon 381 of the TRMU protein (p.Gly381Arg). This variant is present in population databases (rs766403441, gnomAD 0.002%). This variant has not been reported in the literature in individuals affected with TRMU-related conditions. Advanced modeling of protein sequence and biophysical properties (such as structural, functional, and spatial information, amino acid conservation, physicochemical variation, residue mobility, and thermodynamic stability) performed at Invitae indicates that this missense variant is expected to disrupt TRMU protein function. In summary, the available evidence is currently insufficient to determine the role of this variant in disease. Therefore, it has been classified as a Variant of Uncertain Significance.

NM_018006.5(TRMU):c.1141G>A (p.Gly381Arg)

Gene: TRMU (tRNA mitochondrial 2-thiouridylase; plus strand). Cytogenetic location: 22q13.31.
Variant type: single nucleotide variant.
Coding change: c.1141G>A on transcript NM_018006.5 (MANE Select); coding-DNA position 1141, G replaced by A.
Protein change: p.Gly381Arg; replaces glycine 381 with arginine.
Molecular consequence: missense variant. On other transcripts: non-coding transcript variant (2).
Genome position (GRCh38, 1-based): chr22:46,356,881, G>A. VCF-style: chr22-46356881-G-A. GRCh37 (hg19) VCF-style: chr22-46752778-G-A.
Other names: c.799G>A, p.Gly267Arg (NM_001282782.2); c.721G>A, p.Gly241Arg (NM_001282783.2); c.638G>A, p.Arg213Gln (NM_001282784.2); c.1058G>A, p.Arg353Gln (NM_001282785.2); short protein forms G241R, G267R, G381R, R213Q, R353Q.
Identifiers: ClinVar variation 1482982 (VCV001482982.5), dbSNP rs766403441, ClinGen allele CA10292454.
Genomic context (GRCh38, chr22:46,356,881, plus strand): 5'-GCCAGGGTCTCTCCCCTACAGTTTGCTGTGTTCTACAAGGGGGACGAGTGCCTGGGCAGC[G>A]GGAAGATCCTGCGGCTGGGGCCGTCTGCCTACACGCTCCAGAAGGGCCAGCGCAGAGCTG-3'
Protein context (NP_060476.2, residues 371-391): FYKGDECLGS[Gly381Arg]KILRLGPSAY